The following is an entry in ClinVar:

ClinVar aggregate classification (germline): Uncertain significance (1 of 4 stars; one submission).

Allele frequency attached by ClinVar (database versions not stated): gnomAD exomes below 0.00001.
gnomAD v4.1: 3 of 1,612,634 alleles (0.00019%); highest among the groups gnomAD compares: Non-Finnish European, 0.00025%; no homozygotes.

Submission:

CeGaT Center for Human Genetics Tuebingen
Classification: Uncertain significance. Last evaluated: 2022-05-01. Review status: criteria provided, single submitter. Criteria: CeGaT Center For Human Genetics Tuebingen Variant Classification Criteria Version 2. Collection method: clinical testing. Allele origin: germline. Affected: yes. Observed: 1 variant allele.
Comment: CNOT3: PM2, BP4

NM_014516.4(CNOT3):c.93+4C>T

Gene: CNOT3 (CCR4-NOT transcription complex subunit 3; plus strand). Cytogenetic location: 19q13.42.
Variant type: single nucleotide variant.
Coding change: c.93+4C>T on transcript NM_014516.4 (MANE Select); 4 bases into the intron after coding-DNA position 93, C replaced by T.
Molecular consequence: intron variant.
Genome position (GRCh38, 1-based): chr19:54,143,190, C>T. VCF-style: chr19-54143190-C-T. GRCh37 (hg19) VCF-style: chr19-54646926-C-T.
Identifiers: ClinVar variation 2650415 (VCV002650415.24), dbSNP rs2517171338, ClinGen allele CA2576880542.